The following is an entry in ClinVar:

ClinVar aggregate classification (germline): Uncertain significance (1 of 4 stars; one submission).

Conditions:
Mitochondrial complex II deficiency, nuclear type 1. Also called: SUCCINATE CoQ REDUCTASE DEFICIENCY. Identifiers: Orphanet 3208, MedGen C5700310, MONDO:0100294, OMIM 252011.
Pheochromocytoma/paraganglioma syndrome 5. Also called: Paragangliomas 5; SDHA-Related Hereditary Paraganglioma-Pheochromocytoma Syndrome. Identifiers: Orphanet 29072, MedGen C3279992, MONDO:0013602, OMIM 614165.

Submission:

Labcorp Genetics (formerly Invitae), Labcorp
Classification: Uncertain significance for Pheochromocytoma/paraganglioma syndrome 5; Mitochondrial complex II deficiency, nuclear type 1. Last evaluated: 2025-02-17. Review status: criteria provided, single submitter. Criteria: Invitae Variant Classification Sherloc (09022015). Collection method: clinical testing. Allele origin: germline.
Comment: This sequence change replaces alanine, which is neutral and non-polar, with isoleucine, which is neutral and non-polar, at codon 102 of the SDHA protein (p.Ala102Ile). Information on the frequency of this variant in the gnomAD database is not available, as this variant may be reported differently in the database. This variant has not been reported in the literature in individuals affected with SDHA-related conditions. ClinVar contains an entry for this variant (Variation ID: 963951). An algorithm developed to predict the effect of missense changes on protein structure and function (PolyPhen-2) suggests that this variant is likely to be disruptive. In summary, the available evidence is currently insufficient to determine the role of this variant in disease. Therefore, it has been classified as a Variant of Uncertain Significance.

NM_004168.4(SDHA):c.304_305delinsAT (p.Ala102Ile)

Gene: SDHA (succinate dehydrogenase complex flavoprotein subunit A; plus strand). Cytogenetic location: 5p15.33.
Variant type: Indel.
Coding change: c.304_305delinsAT on transcript NM_004168.4 (MANE Select); coding-DNA positions 304 to 305, GC replaced by AT.
Protein change: p.Ala102Ile; replaces alanine 102 with isoleucine.
Molecular consequence: missense variant.
Genome position (GRCh38, 1-based): chr5:224,513-224,514, GC replaced by AT. VCF-style: chr5-224513-GC-AT. GRCh37 (hg19) VCF-style: chr5-224628-GC-AT.
Other names: c.304_305delinsAT, p.Ala102Ile (NM_001294332.2, NM_001330758.2); short protein forms A102I.
Identifiers: ClinVar variation 963951 (VCV000963951.8), dbSNP rs1734896344, ClinGen allele CA1139658720.